The following is an entry in ClinVar:

ClinVar aggregate classification (germline): Uncertain significance (1 of 4 stars; one submission).

Conditions:
Cardiovascular phenotype. Identifiers: MedGen CN230736.

gnomAD v4.1: 1 of 1,609,930 alleles (0.000062%); highest among the groups gnomAD compares: Non-Finnish European, 0.000085%; no homozygotes.

Submission:

Ambry Genetics
Classification: Uncertain significance for Cardiovascular phenotype. Last evaluated: 2025-06-07. Review status: criteria provided, single submitter. Criteria: Ambry Variant Classification Scheme 2023. Collection method: clinical testing. Allele origin: germline.
Comment: The p.K823T variant (also known as c.2468A>C), located in coding exon 15 of the SOS1 gene, results from an A to C substitution at nucleotide position 2468. The lysine at codon 823 is replaced by threonine, an amino acid with similar properties. This amino acid position is conserved. In addition, this alteration is predicted to be tolerated by in silico analysis. Based on the available evidence, the clinical significance of this variant remains unclear.

NM_005633.4(SOS1):c.2468A>C (p.Lys823Thr)

Gene: SOS1 (SOS Ras/Rac guanine nucleotide exchange factor 1; minus strand). Cytogenetic location: 2p22.1.
Variant type: single nucleotide variant.
Coding change: c.2468A>C on transcript NM_005633.4 (MANE Select); coding-DNA position 2468, A replaced by C.
Protein change: p.Lys823Thr; replaces lysine 823 with threonine.
Molecular consequence: missense variant.
Genome position (GRCh38, 1-based): chr2:39,010,626, T>G on the plus strand (A>C on the coding strand, the complement: SOS1 is on the minus strand). VCF-style: chr2-39010626-T-G. GRCh37 (hg19) VCF-style: chr2-39237767-T-G.
Other names: c.2447A>C, p.Lys816Thr (NM_001382394.1); c.2468A>C, p.Lys823Thr (NM_001382395.1); short protein forms K823T, K816T.
Identifiers: ClinVar variation 3959845 (VCV003959845.1).